The following is an entry in ClinVar:

ClinVar aggregate classification (germline): Likely pathogenic (1 of 4 stars; one submission).

Conditions:
Dyskeratosis congenita, autosomal recessive 6 (DKCB6). Identifiers: MedGen C4225356, MONDO:0014600, OMIM 616353.
Pulmonary fibrosis and/or bone marrow failure, Telomere-related, 4. Also called: PULMONARY FIBROSIS AND/OR BONE MARROW FAILURE SYNDROME, TELOMERE-RELATED, 4. Identifiers: Orphanet 2032, MedGen C4225347, MONDO:0014612, OMIM 616371.

Submission:

Labcorp Genetics (formerly Invitae), Labcorp
Classification: Likely pathogenic for Dyskeratosis congenita, autosomal recessive 6; Pulmonary fibrosis and/or bone marrow failure, Telomere-related, 4. Last evaluated: 2024-02-24. Review status: criteria provided, single submitter. Criteria: Invitae Variant Classification Sherloc (09022015). Collection method: clinical testing. Allele origin: germline.
Comment: This sequence change affects an acceptor splice site in intron 7 of the PARN gene. It is expected to disrupt RNA splicing. Variants that disrupt the donor or acceptor splice site typically lead to a loss of protein function (PMID: 16199547), and loss-of-function variants in PARN are known to be pathogenic (PMID: 9736620, 25848748, 26810774). This variant is not present in population databases (gnomAD no frequency). This variant has not been reported in the literature in individuals affected with PARN-related conditions. ClinVar contains an entry for this variant (Variation ID: 1475274). Algorithms developed to predict the effect of sequence changes on RNA splicing suggest that this variant may disrupt the consensus splice site. In summary, the currently available evidence indicates that the variant is pathogenic, but additional data are needed to prove that conclusively. Therefore, this variant has been classified as Likely Pathogenic.

Literature cited by the submitters: PubMed 16199547; PubMed 9736620; PubMed 25848748; PubMed 26810774.

NM_002582.4(PARN):c.555-2A>G

Gene: PARN (poly(A)-specific ribonuclease; minus strand). Cytogenetic location: 16p13.12.
Variant type: single nucleotide variant.
Coding change: c.555-2A>G on transcript NM_002582.4 (MANE Select); the canonical splice acceptor site of the intron before coding-DNA position 555, A replaced by G.
Molecular consequence: splice acceptor variant.
Genome position (GRCh38, 1-based): chr16:14,609,125, T>C on the plus strand (A>G on the coding strand, the complement: PARN is on the minus strand). VCF-style: chr16-14609125-T-C. GRCh37 (hg19) VCF-style: chr16-14702982-T-C.
Other names: c.372-2A>G (NM_001134477.3); c.417-2A>G (NM_001242992.2).
Identifiers: ClinVar variation 1475274 (VCV001475274.13), dbSNP rs2151795442, ClinGen allele CA394809748.